The following is an entry in ClinVar:

ClinVar aggregate classification (germline): Uncertain significance (1 of 4 stars; one submission).

Allele frequency attached by ClinVar (database versions not stated): ExAC 0.00001; gnomAD 0.00001; gnomAD exomes 0.00001 and 0.00002; TOPMed 0.00001.
gnomAD v4.1: 20 of 1,612,302 alleles (0.0012%); highest among the groups gnomAD compares: East Asian, 0.016%; no homozygotes.

Submission:

Labcorp Genetics (formerly Invitae), Labcorp
Classification: Uncertain significance. Last evaluated: 2025-10-08. Review status: criteria provided, single submitter. Criteria: Invitae Variant Classification Sherloc (09022015). Collection method: clinical testing. Allele origin: germline.
Comment: This sequence change replaces arginine, which is basic and polar, with glutamine, which is neutral and polar, at codon 706 of the TNFAIP3 protein (p.Arg706Gln). This variant is present in population databases (rs3734553, gnomAD 0.02%). This variant has not been reported in the literature in individuals affected with TNFAIP3-related conditions. ClinVar contains an entry for this variant (Variation ID: 1361196). An algorithm developed to predict the effect of missense changes on protein structure and function (PolyPhen-2) suggests that this variant is likely to be tolerated. Experimental studies are conflicting or provide insufficient evidence to determine the effect of this variant on TNFAIP3 function (PMID: 20483768). In summary, the available evidence is currently insufficient to determine the role of this variant in disease. Therefore, it has been classified as a Variant of Uncertain Significance.

Literature cited by the submitters: PubMed 20483768.

NM_001270508.2(TNFAIP3):c.2117G>A (p.Arg706Gln)

Gene: TNFAIP3 (TNF alpha induced protein 3; plus strand). Cytogenetic location: 6q23.3.
Variant type: single nucleotide variant.
Coding change: c.2117G>A on transcript NM_001270508.2 (MANE Select); coding-DNA position 2117, G replaced by A.
Protein change: p.Arg706Gln; replaces arginine 706 with glutamine.
Molecular consequence: missense variant.
Genome position (GRCh38, 1-based): chr6:137,881,063, G>A. VCF-style: chr6-137881063-G-A. GRCh37 (hg19) VCF-style: chr6-138202200-G-A.
Other names: c.2117G>A, p.Arg706Gln (NM_001270507.2, NM_006290.4); short protein forms R706Q.
Identifiers: ClinVar variation 1361196 (VCV001361196.7), dbSNP rs3734553, ClinGen allele CA4019804.